The following is an entry in ClinVar:

NC_000012.12:g.132237283_132491257dup

Genes: FBRSL1 (fibrosin like 1; plus strand), GALNT9 (polypeptide N-acetylgalactosaminyltransferase 9; minus strand), GALNT9-AS1 (GALNT9 antisense RNA 1; plus strand), MUC8 (mucin 8; minus strand), LOC101928416 (uncharacterized LOC101928416; plus strand) and 13 more. Cytogenetic location: 12q24.33.
Variant type: Duplication.
Identifiers: ClinVar variation 2500706 (VCV002500706.1).

ClinVar aggregate classification (germline): Uncertain significance (1 of 4 stars; one submission).

Submission:

Victorian Clinical Genetics Services, Murdoch Childrens Research Institute
Classification: Uncertain significance. Review status: criteria provided, single submitter. Criteria: ACMG Guidelines, 2015. Collection method: clinical testing. Allele origin: de novo. Affected: yes.
Comment: - This tandem duplication of 254 kilobases from chromosome region 12q24.33 involves the GALNT9 and FBRSL1 genes. Exon 1 (of 19) of the FBRSL1 gene would be duplicated, however this does not provide evidence that the gene has been disrupted. - The mechanism of disease for the FBRSL1 gene is not clearly established. However, loss of function is suggested. Loss of function variants have been reported in 3 unrelated individuals with respiratory insufficiency, postnatal growth restriction, microcephaly, global development delay and other malformations (PMID: 32424618). - There is no known disease association for the GALNT9 gene. - The FBRSL1 gene is associated with autosomal dominant disease. - This variant is heterozygous. - Variant is absent from gnomAD (gnomAD SVs v2.1). However, a duplication of exon 1 of the FBRSL1 gene is present in gnomAD >=0.001 and <0.01 for a dominant condition (171 heterozygotes, 2 homozygotes). - This variant has no previous evidence of pathogenicity. - No published segregation evidence has been identified for this variant. - No published functional evidence has been identified for this variant. - No comparable copy number variants have previous evidence for pathogenicity.

Literature cited by the submitters: PubMed 32424618.